The following is an entry in ClinVar:

ClinVar aggregate classification (germline): Uncertain significance (0 of 4 stars; one submission).

Conditions:
RNF213-related disorder. Also called: RNF213-related condition.

gnomAD v4.1: 3 of 1,614,210 alleles (0.00019%); highest among the groups gnomAD compares: Non-Finnish European, 0.00025%; no homozygotes.

Submission:

PreventionGenetics, part of Exact Sciences
Classification: Uncertain significance for RNF213-related condition. Last evaluated: 2024-03-18. Review status: no assertion criteria provided. Collection method: clinical testing. Allele origin: germline.
Comment: The RNF213 c.7385C>T variant is predicted to result in the amino acid substitution p.Ser2462Phe. To our knowledge, this variant has not been reported in the literature. This variant is reported in 0.00088% of alleles in individuals of European (Non-Finnish) descent in gnomAD. At this time, the clinical significance of this variant is uncertain due to the absence of conclusive functional and genetic evidence.

NM_001256071.3(RNF213):c.7385C>T (p.Ser2462Phe)

Gene: RNF213 (ring finger protein 213; plus strand). Cytogenetic location: 17q25.3.
Variant type: single nucleotide variant.
Coding change: c.7385C>T on transcript NM_001256071.3 (MANE Select); coding-DNA position 7385, C replaced by T.
Protein change: p.Ser2462Phe; replaces serine 2462 with phenylalanine.
Molecular consequence: missense variant.
Genome position (GRCh38, 1-based): chr17:80,345,720, C>T. VCF-style: chr17-80345720-C-T. GRCh37 (hg19) VCF-style: chr17-78319520-C-T.
Other names: c.7532C>T, p.Ser2511Phe (NM_001410195.1, NM_020914.5); short protein forms S2462F, S2511F.
Identifiers: ClinVar variation 3352585 (VCV003352585.1).
Genomic context (GRCh38, chr17:80,345,720, plus strand): 5'-ATGCTGACACCATAAAGCTGGTCAAGGTGCACGGAGGAACAACTGCAGACATGATCTACT[C>T]CAGAGTCAGGGAGGCTGAAAATGTGGCCTTCGCCAATAAGGACCAACATCAGTTGGACAC-3'
Protein context (NP_001243000.2, residues 2452-2472): HGGTTADMIY[Ser2462Phe]RVREAENVAF